The following is an entry in ClinVar:

ClinVar aggregate classification (germline): Likely benign. Review status: criteria provided, multiple submitters, no conflicts (2 of 4 stars). 2 submissions from 2 submitters: Likely benign (2). Last evaluated 2026-01-05.

Conditions:
Osteogenesis imperfecta type I (OI1). Also called: Lobstein disease; OI, TYPE I; OSTEOGENESIS IMPERFECTA TARDA; OSTEOGENESIS IMPERFECTA WITH BLUE SCLERAE; Osteogenesis imperfecta type 1; Lobstein's Disease. Identifiers: Orphanet 216796, Orphanet 666, MedGen C0023931, MONDO:0008146, OMIM 166200. Disease mechanism: loss of function.
Ehlers-Danlos syndrome, classic type, 1 (EDSCL1). Also called: EDS I; EHLERS-DANLOS SYNDROME, GRAVIS TYPE; EHLERS-DANLOS SYNDROME, SEVERE CLASSIC TYPE; Ehlers-Danlos syndrome, type 1; Ehlers-Danlos Syndrome, Classic Type, COL5A1-Related. Identifiers: MedGen C0268335, MONDO:0019567, OMIM 130000.

Submissions (2):

Women's Health and Genetics/Laboratory Corporation of America, LabCorp
Classification: Likely benign. Last evaluated: 2026-01-05. Review status: criteria provided, single submitter. Criteria: LabCorp Variant Classification Summary - May 2015. Collection method: clinical testing. Allele origin: germline.
Comment: Variant summary: COL1A2 c.2134-14delC alters a non-conserved nucleotide located at a position not widely known to affect splicing. Consensus agreement among computation tools predict no significant impact on normal splicing. However, these predictions have yet to be confirmed by functional studies. The variant allele was found at a frequency of 2.4e-05 in 251336 control chromosomes. The available data on variant occurrences in the general population are insufficient to allow any conclusion about variant significance. To our knowledge, no occurrence of c.2134-14delC in individuals affected with COL1A2-related conditions and no experimental evidence demonstrating its impact on protein function have been reported. ClinVar contains an entry for this variant (Variation ID: 2923409). Based on the evidence outlined above, the variant was classified as likely benign.

Labcorp Genetics (formerly Invitae), Labcorp
Classification: Likely benign for Osteogenesis imperfecta type I; Ehlers-Danlos syndrome, classic type, 1. Last evaluated: 2025-10-06. Review status: criteria provided, single submitter. Criteria: Invitae Variant Classification Sherloc (09022015). Collection method: clinical testing. Allele origin: germline.

NM_000089.4(COL1A2):c.2134-14del

Gene: COL1A2 (collagen type I alpha 2 chain; plus strand). Cytogenetic location: 7q21.3.
Variant type: Deletion.
Coding change: c.2134-14del on transcript NM_000089.4 (MANE Select); 14 bases into the intron before coding-DNA position 2134, one base deleted (C; older notation c.2134-14delC).
Molecular consequence: intron variant.
Genome position (GRCh38, 1-based): chr7:94,420,377, C deleted; the last of 3 consecutive C bases (chr7:94,420,375-94,420,377); deleting any one gives the same sequence. VCF-style (leftmost placement, unchanged base first): chr7-94420374-TC-T. GRCh37 (hg19) VCF-style: chr7-94049686-TC-T.
Other names: c.2134-14delC (NM_000089.4).
Identifiers: ClinVar variation 2923409 (VCV002923409.4), dbSNP rs748199263, ClinGen allele CA4347331.